The following is an entry in ClinVar:

ClinVar aggregate classification (germline): Uncertain significance (1 of 4 stars; one submission).

Allele frequency attached by ClinVar (database versions not stated): gnomAD exomes 0.00001; ExAC 0.00012.
gnomAD v4.1: 5 of 1,553,876 alleles (0.00032%); highest among the groups gnomAD compares: South Asian, 0.0047%; no homozygotes.

Submission:

Ambry Genetics
Classification: Uncertain significance. Last evaluated: 2023-12-08. Review status: criteria provided, single submitter. Criteria: Ambry Variant Classification Scheme 2023. Collection method: clinical testing. Allele origin: germline.
Comment: The p.G102R variant (also known as c.304G>C), located in coding exon 1 of the TERF2IP gene, results from a G to C substitution at nucleotide position 304. The glycine at codon 102 is replaced by arginine, an amino acid with dissimilar properties. This amino acid position is conserved. In addition, this alteration is predicted to be tolerated by in silico analysis. Since supporting evidence is limited at this time, the clinical significance of this alteration remains unclear.

NM_018975.4(TERF2IP):c.304G>C (p.Gly102Arg)

Gene: TERF2IP (TERF2 interacting protein; plus strand). Cytogenetic location: 16q23.1.
Variant type: single nucleotide variant.
Coding change: c.304G>C on transcript NM_018975.4 (MANE Select); coding-DNA position 304, G replaced by C.
Protein change: p.Gly102Arg; replaces glycine 102 with arginine.
Molecular consequence: missense variant. On other transcripts: non-coding transcript variant (1).
Genome position (GRCh38, 1-based): chr16:75,648,186, G>C. VCF-style: chr16-75648186-G-C. GRCh37 (hg19) VCF-style: chr16-75682084-G-C.
Other names: short protein forms G102R.
Identifiers: ClinVar variation 3227164 (VCV003227164.1), dbSNP rs772559250, ClinGen allele CA8177976.